The following is an entry in ClinVar:

NM_003200.5(TCF3):c.927G>A (p.Pro309=)

Gene: TCF3 (transcription factor 3; minus strand). Cytogenetic location: 19p13.3.
Variant type: single nucleotide variant.
Coding change: c.927G>A on transcript NM_003200.5 (MANE Select); coding-DNA position 927, G replaced by A.
Protein change: p.Pro309=; no amino-acid change (proline 309 retained).
Molecular consequence: synonymous variant.
Genome position (GRCh38, 1-based): chr19:1,621,866, C>T on the plus strand (G>A on the coding strand, the complement: TCF3 is on the minus strand). VCF-style: chr19-1621866-C-T. GRCh37 (hg19) VCF-style: chr19-1621865-C-T.
Other names: c.927G>A, p.Pro309= (NM_001136139.4, NM_001351778.2, NM_001351779.2).
Identifiers: ClinVar variation 778154 (VCV000778154.38), dbSNP rs188936574, ClinGen allele CA9050162.

ClinVar aggregate classification (germline): Benign/Likely benign. Review status: criteria provided, multiple submitters, no conflicts (2 of 4 stars). 6 submissions from 6 submitters: Benign (3); Likely benign (3). Last evaluated 2026-07-01.

Allele frequency attached by ClinVar (database versions not stated): 1000 Genomes Project 0.00120; 1000 Genomes Project 30x 0.00125; gnomAD exomes 0.00384 and 0.00595; ESP Exome Variant Server 0.00405; gnomAD 0.00425 and 0.00442; TOPMed 0.00431; ExAC 0.00793.

Submissions (6):

CeGaT Center for Human Genetics Tuebingen
Classification: Likely benign. Last evaluated: 2026-07-01. Review status: criteria provided, single submitter. Criteria: CeGaT Center For Human Genetics Tuebingen Variant Classification Criteria Version 2. Collection method: clinical testing. Allele origin: germline. Affected: yes. Observed: 11 variant alleles.
Comment: TCF3: BP4, BP7, BS2

Labcorp Genetics (formerly Invitae), Labcorp
Classification: Benign. Last evaluated: 2026-01-27. Review status: criteria provided, single submitter. Criteria: Invitae Variant Classification Sherloc (09022015). Collection method: clinical testing. Allele origin: germline.

Women's Health and Genetics/Laboratory Corporation of America, LabCorp
Classification: Benign. Last evaluated: 2026-01-22. Review status: criteria provided, single submitter. Criteria: LabCorp Variant Classification Summary - May 2015. Collection method: clinical testing. Allele origin: germline.

Blueprint Genetics
Classification: Likely benign. Last evaluated: 2024-11-13. Review status: criteria provided, single submitter. Criteria: ACMG Guidelines, 2015. Collection method: clinical testing. Allele origin: germline.

ARUP Laboratories, Molecular Genetics and Genomics, ARUP Laboratories
Classification: Likely benign. Last evaluated: 2024-09-16. Review status: criteria provided, single submitter. Criteria: ARUP Molecular Germline Variant Investigation Process 2024. Collection method: clinical testing. Allele origin: germline.

Breakthrough Genomics
Classification: Benign. Review status: criteria provided, single submitter. Criteria: ACMG Guidelines, 2015. Collection method: not provided. Allele origin: germline. Inheritance: Autosomal recessive inheritance. Affected: yes.